The following is an entry in ClinVar:

ClinVar aggregate classification (germline): Uncertain significance (1 of 4 stars; one submission).

Conditions:
ALMS1-related disorder. Also called: ALMS1-related condition.

Submission:

PreventionGenetics, part of Exact Sciences
Classification: Uncertain significance for ALMS1-related condition. Last evaluated: 2026-03-30. Review status: criteria provided, single submitter. Criteria: ACMG Guidelines, 2015. Collection method: clinical testing. Allele origin: germline.
Comment: The ALMS1 c.4132A>G variant is predicted to result in the amino acid substitution p.Thr1378Ala. To our knowledge, this variant has not been reported in the literature. This variant is reported in 0.0042% of alleles in individuals of African descent in gnomAD. At this time, the clinical significance of this variant is uncertain due to the absence of conclusive functional and genetic evidence.

NM_001378454.1(ALMS1):c.4129A>G (p.Thr1377Ala)

Gene: ALMS1 (ALMS1 centrosome and basal body associated protein; plus strand). Cytogenetic location: 2p13.1.
Variant type: single nucleotide variant.
Coding change: c.4129A>G on transcript NM_001378454.1 (MANE Select); coding-DNA position 4129, A replaced by G.
Protein change: p.Thr1377Ala; replaces threonine 1377 with alanine.
Molecular consequence: missense variant.
Genome position (GRCh38, 1-based): chr2:73,450,656, A>G. VCF-style: chr2-73450656-A-G. GRCh37 (hg19) VCF-style: chr2-73677783-A-G.
Other names: c.4132A>G, p.Thr1378Ala (NM_015120.4); short protein forms T1377A, T1378A.
Identifiers: ClinVar variation 4984594 (VCV004984594.1).